The following is an entry in ClinVar:

NM_000698.5(ALOX5):c.1273-34C>T

Gene: ALOX5 (arachidonate 5-lipoxygenase; plus strand). Cytogenetic location: 10q11.21.
Variant type: single nucleotide variant.
Coding change: c.1273-34C>T on transcript NM_000698.5 (MANE Select); 34 bases into the intron before coding-DNA position 1273, C replaced by T.
Molecular consequence: intron variant.
Genome position (GRCh38, 1-based): chr10:45,443,004, C>T. VCF-style: chr10-45443004-C-T. GRCh37 (hg19) VCF-style: chr10-45938452-C-T.
Other names: c.838-34C>T (NM_001320862.2); c.1273-34C>T (NM_001256154.3); c.1273-121C>T (NM_001320861.2); c.1273-130C>T (NM_001256153.3).
Identifiers: ClinVar variation 120087 (VCV000120087.1), dbSNP rs179363899, ClinGen allele CA230614.
Genomic context (GRCh38, chr10:45,443,004, plus strand): 5'-GCCTCCTCGCCTCCCCTGGCACATTTCCTCAGGGATGGGTCTGGACAGCTGTGGGAGGAG[C>T]CACCCGCTCAGGGCACTCTACCTCCCACTCCAGGCCAACGCCACAGGGGGCGGTGGGCAC-3'

ClinVar aggregate classification (germline): not provided (0 of 4 stars; one submission).

Submission:

Functional Genomics, Thrombosis Research Institute, India
No classification provided. Review status: no classification provided. Collection method: not provided. Allele origin: not provided.
Comment: The polymorphisms were detected by PCR and sequencing of a 593 bp region in the ALOX5 gene and subsequent assembly and comparison to ENSEMBLE reference sequence.